The following is an entry in ClinVar:

NM_002693.3(POLG):c.376C>T (p.Arg126Cys)

Genes: POLG (DNA polymerase gamma, catalytic subunit; minus strand), POLGARF (POLG alternative reading frame; minus strand). Cytogenetic location: 15q26.1.
Variant type: single nucleotide variant.
Coding change: c.376C>T on transcript NM_002693.3 (MANE Select); coding-DNA position 376, C replaced by T.
Protein change: p.Arg126Cys; replaces arginine 126 with cysteine.
Molecular consequence: missense variant.
Genome position (GRCh38, 1-based): chr15:89,333,379, G>A on the plus strand (C>T on the coding strand, the complement: POLG is on the minus strand). VCF-style: chr15-89333379-G-A. GRCh37 (hg19) VCF-style: chr15-89876610-G-A.
Other names: c.376C>T, p.Arg126Cys (NM_001126131.2); short protein forms R126C.
Identifiers: ClinVar variation 2795468 (VCV002795468.3), dbSNP rs1005062162, ClinGen allele CA274566028.

ClinVar aggregate classification (germline): Uncertain significance (1 of 4 stars; one submission).

Conditions:
Progressive sclerosing poliodystrophy (MTDPS4A). Also called: ALPERS PROGRESSIVE INFANTILE POLIODYSTROPHY; NEURONAL DEGENERATION OF CHILDHOOD WITH LIVER DISEASE, PROGRESSIVE; Alpers Syndrome; ALPERS DIFFUSE DEGENERATION OF CEREBRAL GRAY MATTER WITH HEPATIC CIRRHOSIS; Alpers-Huttenlocher Syndrome; Mitochondrial DNA Depletion Syndrome 4A. Identifiers: Orphanet 726, MedGen C0205710, MONDO:0008758, OMIM 203700.

Allele frequency attached by ClinVar (database versions not stated): TOPMed below 0.00001; gnomAD 0.00002.
gnomAD v4.1: 4 of 1,581,382 alleles (0.00025%); highest among the groups gnomAD compares: African/African-American, 0.0027%; no homozygotes.

Submission:

Labcorp Genetics (formerly Invitae), Labcorp
Classification: Uncertain significance for Progressive sclerosing poliodystrophy. Last evaluated: 2025-08-18. Review status: criteria provided, single submitter. Criteria: Invitae Variant Classification Sherloc (09022015). Collection method: clinical testing. Allele origin: germline.
Comment: This sequence change replaces arginine, which is basic and polar, with cysteine, which is neutral and slightly polar, at codon 126 of the POLG protein (p.Arg126Cys). This variant is present in population databases (no rsID available, gnomAD 0.01%). This variant has not been reported in the literature in individuals affected with POLG-related conditions. ClinVar contains an entry for this variant (Variation ID: 2795468). An algorithm developed to predict the effect of missense changes on protein structure and function outputs the following: PolyPhen-2: "Benign". The cysteine amino acid residue is found in multiple mammalian species, which suggests that this missense change does not adversely affect protein function. In summary, the available evidence is currently insufficient to determine the role of this variant in disease. Therefore, it has been classified as a Variant of Uncertain Significance.